The following is an entry in ClinVar:

ClinVar aggregate classification (germline): Uncertain significance (1 of 4 stars; one submission).

Allele frequency attached by ClinVar (database versions not stated): TOPMed 0.00001.

Submission:

Labcorp Genetics (formerly Invitae), Labcorp
Classification: Uncertain significance. Last evaluated: 2023-09-22. Review status: criteria provided, single submitter. Criteria: Invitae Variant Classification Sherloc (09022015). Collection method: clinical testing. Allele origin: germline.
Comment: In summary, the available evidence is currently insufficient to determine the role of this variant in disease. Therefore, it has been classified as a Variant of Uncertain Significance. Algorithms developed to predict the effect of missense changes on protein structure and function output the following: SIFT: "Not Available"; PolyPhen-2: "Benign"; Align-GVGD: "Not Available". The isoleucine amino acid residue is found in multiple mammalian species, which suggests that this missense change does not adversely affect protein function. This variant has not been reported in the literature in individuals affected with NEXMIF-related conditions. This variant is not present in population databases (gnomAD no frequency). This sequence change replaces methionine, which is neutral and non-polar, with isoleucine, which is neutral and non-polar, at codon 880 of the NEXMIF protein (p.Met880Ile).

NM_001008537.3(NEXMIF):c.2640G>T (p.Met880Ile)

Gene: NEXMIF (neurite extension and migration factor; minus strand). Cytogenetic location: Xq13.3.
Variant type: single nucleotide variant.
Coding change: c.2640G>T on transcript NM_001008537.3 (MANE Select); coding-DNA position 2640, G replaced by T.
Protein change: p.Met880Ile; replaces methionine 880 with isoleucine.
Molecular consequence: missense variant.
Genome position (GRCh38, 1-based): chrX:74,741,917, C>A on the plus strand (G>T on the coding strand, the complement: NEXMIF is on the minus strand). VCF-style: chrX-74741917-C-A. GRCh37 (hg19) VCF-style: chrX-73961752-C-A.
Other names: short protein forms M880I.
Identifiers: ClinVar variation 2762695 (VCV002762695.3), dbSNP rs2080105953, ClinGen allele CA413667768.